The following is an entry in ClinVar:

ClinVar aggregate classification (germline): Uncertain significance (1 of 4 stars; one submission).

Conditions:
Hereditary spastic paraplegia 35. Also called: Spastic paraplegia 35; SPASTIC PARAPLEGIA 35, AUTOSOMAL RECESSIVE, WITH OR WITHOUT NEURODEGENERATION; LEUKODYSTROPHY, DYSMYELINATING, AND SPASTIC PARAPARESIS WITH OR WITHOUT DYSTONIA; Spastic paraplegia 35, autosomal recessive. Identifiers: Orphanet 171629, MedGen C3496228, MONDO:0012866, OMIM 612319.

Submission:

MGZ Medical Genetics Center
Classification: Uncertain significance for Hereditary spastic paraplegia 35. Last evaluated: 2021-11-22. Review status: criteria provided, single submitter. Criteria: ACMG Guidelines, 2015. Collection method: clinical testing. Allele origin: germline. Affected: yes. Observed: 1 variant allele.
Comment: ACMG criteria applied: PM1, PM2_SUP, PP3

NM_024306.5(FA2H):c.75C>G (p.Cys25Trp)

Genes: FA2H (fatty acid 2-hydroxylase; minus strand), LOC130059394 (ATAC-STARR-seq lymphoblastoid silent region 7701; plus strand). Cytogenetic location: 16q23.1.
Variant type: single nucleotide variant.
Coding change: c.75C>G on transcript NM_024306.5 (MANE Select); coding-DNA position 75, C replaced by G.
Protein change: p.Cys25Trp; replaces cysteine 25 with tryptophan.
Molecular consequence: missense variant.
Genome position (GRCh38, 1-based): chr16:74,774,681, G>C on the plus strand (C>G on the coding strand, the complement: FA2H is on the minus strand). VCF-style: chr16-74774681-G-C. GRCh37 (hg19) VCF-style: chr16-74808579-G-C.
Other names: short protein forms C25W.
Identifiers: ClinVar variation 1709322 (VCV001709322.2), dbSNP rs2544384816, ClinGen allele CA396768469.
Genomic context (GRCh38, chr16:74,774,681, plus strand): 5'-CCCCGGGTGGTGCCGCACGAAGCTGGAGAGGTCGTAGAGGCGGGCCCCGCGGCGGACCCA[G>C]CACGCGCCGGCCGCCAGGCGCCGCTGGACCTCGGAGGGCGAGAAGGAGGCGGCGGGGGGC-3'
Protein context (NP_077282.3, residues 15-35): EVQRRLAAGA[Cys25Trp]WVRRGARLYD